The following is an entry in ClinVar:

NM_000051.4(ATM):c.5045A>T (p.Asp1682Val)

Gene: ATM (ATM serine/threonine kinase; plus strand). Cytogenetic location: 11q22.3.
Variant type: single nucleotide variant.
Coding change: c.5045A>T on transcript NM_000051.4 (MANE Select); coding-DNA position 5045, A replaced by T.
Protein change: p.Asp1682Val; replaces aspartic acid 1682 with valine.
Molecular consequence: missense variant.
Genome position (GRCh38, 1-based): chr11:108,299,753, A>T. VCF-style: chr11-108299753-A-T. GRCh37 (hg19) VCF-style: chr11-108170480-A-T.
Other names: c.5045A>T, p.Asp1682Val (NM_001351834.2); short protein forms D1682V.
Identifiers: ClinVar variation 925878 (VCV000925878.10), dbSNP rs980731959, ClinGen allele CA382540414.

ClinVar aggregate classification (germline): Uncertain significance. Review status: criteria provided, multiple submitters, no conflicts (2 of 4 stars). 3 submissions from 3 submitters: Uncertain significance (3). Last evaluated 2025-03-31.

Conditions:
Ataxia-telangiectasia syndrome (AT). Also called: Ataxia-telangiectasia, complementation group D; Cerebello-oculocutaneous telangiectasia; Immunodeficiency with ataxia telangiectasia; LOUIS-BAR SYNDROME; Ataxia-telangiectasia; AT, COMPLEMENTATION GROUP C. Identifiers: Orphanet 100, MedGen C0004135, MONDO:0008840, OMIM 208900.
Hereditary cancer-predisposing syndrome. Also called: Tumor predisposition; Hereditary neoplastic syndrome; Neoplastic Syndromes, Hereditary; Hereditary Cancer Syndrome. Identifiers: Orphanet 140162, MedGen C0027672, MeSH D009386, MONDO:0015356.

Allele frequency attached by ClinVar (database versions not stated): gnomAD exomes below 0.00001.
gnomAD v4.1: 1 of 1,613,972 alleles (0.000062%); highest among the groups gnomAD compares: Non-Finnish European, 0.000085%; no homozygotes.

Submissions (3):

Color Diagnostics, LLC DBA Color Health
Classification: Uncertain significance for Hereditary cancer-predisposing syndrome. Last evaluated: 2025-03-31. Review status: criteria provided, single submitter. Criteria: ACMG Guidelines, 2015. Collection method: clinical testing. Allele origin: germline.
Comment: This missense variant replaces aspartic acid with valine at codon 1682 of the ATM protein. Computational prediction tool suggests that this variant may have deleterious impact on protein structure and function. To our knowledge, functional studies have not been performed for this variant. This variant has not been reported in individuals affected with hereditary cancer in the literature. This variant has not been identified in the general population by the Genome Aggregation Database (gnomAD). The available evidence is insufficient to determine the role of this variant in disease conclusively. Therefore, this variant is classified as a Variant of Uncertain Significance.

Ambry Genetics
Classification: Uncertain significance for Hereditary cancer-predisposing syndrome. Last evaluated: 2025-01-08. Review status: criteria provided, single submitter. Criteria: Ambry Variant Classification Scheme 2023. Collection method: clinical testing. Allele origin: germline.
Comment: The p.D1682V variant (also known as c.5045A>T), located in coding exon 33 of the ATM gene, results from an A to T substitution at nucleotide position 5045. The aspartic acid at codon 1682 is replaced by valine, an amino acid with highly dissimilar properties. This amino acid position is well conserved in available vertebrate species. In addition, this alteration is predicted to be deleterious by in silico analysis. Since supporting evidence is limited at this time, the clinical significance of this alteration remains unclear.

Labcorp Genetics (formerly Invitae), Labcorp
Classification: Uncertain significance for Ataxia-telangiectasia syndrome. Last evaluated: 2022-10-27. Review status: criteria provided, single submitter. Criteria: Invitae Variant Classification Sherloc (09022015). Collection method: clinical testing. Allele origin: germline.
Comment: This variant has not been reported in the literature in individuals affected with ATM-related conditions. This variant is not present in population databases (gnomAD no frequency). This sequence change replaces aspartic acid, which is acidic and polar, with valine, which is neutral and non-polar, at codon 1682 of the ATM protein (p.Asp1682Val). ClinVar contains an entry for this variant (Variation ID: 925878). In summary, the available evidence is currently insufficient to determine the role of this variant in disease. Therefore, it has been classified as a Variant of Uncertain Significance. Algorithms developed to predict the effect of missense changes on protein structure and function (SIFT, PolyPhen-2, Align-GVGD) all suggest that this variant is likely to be disruptive.